The following is an entry in ClinVar:

ClinVar aggregate classification (germline): Conflicting classifications of pathogenicity. Review status: criteria provided, conflicting classifications (1 of 4 stars). 2 submissions from 2 submitters: Uncertain significance (1); Likely benign (1). Last evaluated 2025-11-09.

Conditions:
Hereditary breast ovarian cancer syndrome. Also called: Hereditary breast and ovarian cancer; Breast and ovarian cancer; Hereditary breast and ovarian cancer syndrome; BRCA1- and BRCA2-Associated Hereditary Breast and Ovarian Cancer; Hereditary breast and/or ovarian cancer syndrome; Hereditary breast and ovarian cancer syndrome (HBOC). Identifiers: Orphanet 145, MedGen C0677776, MeSH D061325, MONDO:0003582. Disease mechanism: loss of function.
Hereditary cancer-predisposing syndrome. Also called: Tumor predisposition; Hereditary neoplastic syndrome; Hereditary Cancer Syndrome; Neoplastic Syndromes, Hereditary. Identifiers: Orphanet 140162, MedGen C0027672, MeSH D009386, MONDO:0015356.

Submissions (2):

Labcorp Genetics (formerly Invitae), Labcorp
Classification: Uncertain significance for Hereditary breast ovarian cancer syndrome. Last evaluated: 2025-11-09. Review status: criteria provided, single submitter. Criteria: Invitae Variant Classification Sherloc (09022015). Collection method: clinical testing. Allele origin: germline.
Comment: This sequence change replaces histidine, which is basic and polar, with proline, which is neutral and non-polar, at codon 473 of the BRCA2 protein (p.His473Pro). This variant is not present in population databases (gnomAD no frequency). This variant has not been reported in the literature in individuals affected with BRCA2-related conditions. ClinVar contains an entry for this variant (Variation ID: 575429). Invitae Evidence Modeling of protein sequence and biophysical properties (such as structural, functional, and spatial information, amino acid conservation, physicochemical variation, residue mobility, and thermodynamic stability) indicates that this missense variant is not expected to disrupt BRCA2 protein function with a negative predictive value of 95%. In summary, the available evidence is currently insufficient to determine the role of this variant in disease. Therefore, it has been classified as a Variant of Uncertain Significance.

University of Washington Department of Laboratory Medicine, University of Washington
Classification: Likely benign for Hereditary cancer-predisposing syndrome. Last evaluated: 2023-03-23. Review status: criteria provided, single submitter. Criteria: Dines et al. (Genet Med. 2020). Collection method: curation. Allele origin: germline.
Comment: Missense variant in a coldspot region where missense variants are very unlikely to be pathogenic (PMID:31911673).

BRCA2 exon 10 coldspot. Reclassification based on statistical prior probability.

NM_000059.4(BRCA2):c.1418A>C (p.His473Pro)

Gene: BRCA2 (BRCA2 DNA repair associated; plus strand). Cytogenetic location: 13q13.1.
Variant type: single nucleotide variant.
Coding change: c.1418A>C on transcript NM_000059.4 (MANE Select); coding-DNA position 1418, A replaced by C.
Protein change: p.His473Pro; replaces histidine 473 with proline.
Molecular consequence: missense variant.
Genome position (GRCh38, 1-based): chr13:32,332,896, A>C. VCF-style: chr13-32332896-A-C. GRCh37 (hg19) VCF-style: chr13-32907033-A-C.
Other names: short protein forms H473P.
Identifiers: ClinVar variation 575429 (VCV000575429.10), dbSNP rs80358430, ClinGen allele CA387764219.
Genomic context (GRCh38, chr13:32,332,896, plus strand): 5'-CAAAATCAGAGAAGCCATTAAATGAGGAAACAGTGGTAAATAAGAGAGATGAAGAGCAGC[A>C]TCTTGAATCTCATACAGACTGCATTCTTGCAGTAAAGCAGGCAATATCTGGAACTTCTCC-3'
Protein context (NP_000050.3, residues 463-483): TVVNKRDEEQ[His473Pro]LESHTDCILA